The following is an entry in ClinVar:

NM_005609.4(PYGM):c.397G>A (p.Gly133Ser)

Gene: PYGM (glycogen phosphorylase, muscle associated; minus strand). Cytogenetic location: 11q13.1.
Variant type: single nucleotide variant.
Coding change: c.397G>A on transcript NM_005609.4 (MANE Select); coding-DNA position 397, G replaced by A.
Protein change: p.Gly133Ser; replaces glycine 133 with serine.
Molecular consequence: missense variant. On other transcripts: intron variant (1).
Genome position (GRCh38, 1-based): chr11:64,758,464, C>T on the plus strand (G>A on the coding strand, the complement: PYGM is on the minus strand). VCF-style: chr11-64758464-C-T. GRCh37 (hg19) VCF-style: chr11-64525936-C-T.
Other names: c.244-198G>A (NM_001164716.1); short protein forms G133S.
Identifiers: ClinVar variation 427201 (VCV000427201.2), dbSNP rs1085308021, ClinGen allele CA381109682.

ClinVar aggregate classification (germline): Likely pathogenic (1 of 4 stars; one submission).

Submission:

GeneDx
Classification: Likely pathogenic. Last evaluated: 2015-04-09. Review status: criteria provided, single submitter. Criteria: GeneDx Variant Classification (06012015). Collection method: clinical testing. Allele origin: germline. Affected: yes.
Comment: The G133S variant has not been published as a pathogenic variant, nor has it been reported as a benign polymorphism to our knowledge. The G133S variant is a non-conservative amino acid substitution, which is likely to impact secondary protein structure as these residues differ in polarity, charge, size and/or other properties. This substitution occurs at a position that is conserved across species. In silico analysis predicts this variant is probably damaging to the protein structure/function. Missense variants in nearby residues (G135R, G136D, R139W) have been reported in the Human Gene Mutation Database in association with McArdle disease (Stenson et al., 2014), supporting the functional importance of this region of the protein. Therefore, this variant is a strong candidate for a pathogenic variant, however the possibility that it is a benign variant cannot be excluded.